The following is an entry in ClinVar:

NM_001354640.2(CIROP):c.92C>T (p.Ser31Phe)

Gene: CIROP (ciliated left-right organizer metallopeptidase; minus strand). Cytogenetic location: 14q11.2.
Variant type: single nucleotide variant.
Coding change: c.92C>T on transcript NM_001354640.2 (MANE Select); coding-DNA position 92, C replaced by T.
Protein change: p.Ser31Phe; replaces serine 31 with phenylalanine.
Molecular consequence: missense variant.
Genome position (GRCh38, 1-based): chr14:23,104,829, G>A on the plus strand (C>T on the coding strand, the complement: CIROP is on the minus strand). VCF-style: chr14-23104829-G-A. GRCh37 (hg19) VCF-style: chr14-23574038-G-A.
Other names: c.92C>T (NM_001402427.1, NM_001354640.1); short protein forms S31F.
Identifiers: ClinVar variation 1335920 (VCV001335920.12), dbSNP rs553352307, ClinGen allele CA7111045.
Genomic context (GRCh38, chr14:23,104,829, plus strand): 5'-AGGGAGGAAGAGCGAGATTTTGAGGGGAGTTGGGAGAAAGGGGGCCTGAGAAGGCTCACA[G>A]ACTTCTGTGTCTCATCATGTAGACATCGGCTTGCAGCAACCCTGAGGACTAGTGGCGGCA-3'
Protein context (NP_001341569.1, residues 21-41): SRCLHDETQK[Ser31Phe]VSLLRPPFSQ

ClinVar aggregate classification (germline): Conflicting classifications of pathogenicity. Review status: criteria provided, conflicting classifications (1 of 4 stars). 5 submissions from 5 submitters: Likely pathogenic (2); Uncertain significance (1). 2 of the submissions do not count toward it. Last evaluated 2025-11-03.

Conditions:
Heterotaxy, visceral, 12, autosomal (HTX12). Identifiers: MedGen C5676898, MONDO:0859222, OMIM 619702.
CIROP-related disorder. Also called: CIROP-related condition.

Allele frequency attached by ClinVar (database versions not stated): 1000 Genomes Project 30x 0.00031; 1000 Genomes Project 0.00040; gnomAD 0.00106 and 0.00107; gnomAD exomes 0.00120 and 0.00135; TOPMed 0.00126; ExAC 0.00139.
gnomAD v4.1: 907 of 702,970 alleles (0.13%); highest among the groups gnomAD compares: Non-Finnish European, 0.19%; 3 homozygotes.

Submissions (5):

3billion
Classification: Likely pathogenic for Heterotaxy, visceral, 12, autosomal. Last evaluated: 2025-11-03. Review status: criteria provided, single submitter. Criteria: ACMG Guidelines, 2015. Collection method: clinical testing. Allele origin: germline. Affected: yes.
Comment: The variant is observed at an extremely low frequency in the gnomAD v4.1.0 dataset (total allele frequency: 0.129%). Predicted Consequence/Location: Missense variant The same nucleotide change resulting in the same amino acid change has been previously reported as pathogenic/likely pathogenic with strong evidence (ClinVar ID: VCV001335920 /PMID: 34903892). Therefore, this variant is classified as Likely pathogenic according to the recommendation of ACMG/AMP guideline.

CeGaT Center for Human Genetics Tuebingen
Classification: Uncertain significance. Last evaluated: 2025-08-01. Review status: criteria provided, single submitter. Criteria: CeGaT Center For Human Genetics Tuebingen Variant Classification Criteria Version 2. Collection method: clinical testing. Allele origin: germline. Affected: yes. Observed: 1 variant allele.
Comment: CIROP: PM2:Supporting, PM3:Supporting

Laboratoire de Génétique Moléculaire, CHU Bordeaux
Classification: Likely pathogenic for Heterotaxy, visceral, 12, autosomal. Last evaluated: 2023-09-26. Review status: criteria provided, single submitter. Criteria: ACMG Guidelines, 2015. Collection method: clinical testing. Allele origin: germline. Affected: yes.

PreventionGenetics, part of Exact Sciences
Classification: Likely benign for CIROP-related condition. Last evaluated: 2023-02-28. Review status: no assertion criteria provided. Collection method: clinical testing. Allele origin: germline. Not counted in ClinVar's aggregate classification.
Comment: This variant is classified as likely benign based on ACMG/AMP sequence variant interpretation guidelines (Richards et al. 2015 PMID: 25741868, with internal and published modifications).

OMIM
Classification: Pathogenic for HETEROTAXY, VISCERAL, 12, AUTOSOMAL. Last evaluated: 2022-03-15. Review status: no assertion criteria provided. Collection method: literature only. Allele origin: germline. Not counted in ClinVar's aggregate classification.

Literature cited by the submitters: PubMed 34903892 (cited by 3billion); Szenker-Ravi, E. Personal Communication. 2022. Singapore (cited by OMIM).